The following is an entry in ClinVar:

ClinVar aggregate classification (germline): Likely benign (1 of 4 stars; one submission).

Submission:

GeneDx
Classification: Likely benign. Last evaluated: 2016-12-16. Review status: criteria provided, single submitter. Criteria: GeneDx Variant Classification (06012015). Collection method: clinical testing. Allele origin: germline. Affected: yes.
Comment: This variant is considered likely benign or benign based on one or more of the following criteria: it is a conservative change, it occurs at a poorly conserved position in the protein, it is predicted to be benign by multiple in silico algorithms, and/or has population frequency not consistent with disease.

NM_139058.3(ARX):c.1310_1311insGGC (p.Ala440dup)

Gene: ARX (aristaless related homeobox; minus strand). Cytogenetic location: Xp21.3.
Variant type: Insertion.
Coding change: c.1310_1311insGGC on transcript NM_139058.3 (MANE Select); coding-DNA positions 1310 to 1311, GGC inserted.
Protein change: p.Ala440dup; duplicates alanine 440.
Molecular consequence: inframe insertion.
Genome position: GRCh38 VCF-style: chrX-25007248-G-GGCC. GRCh37 (hg19) VCF-style: chrX-25025365-G-GGCC.
Identifiers: ClinVar variation 422907 (VCV000422907.1), dbSNP rs1064796084, ClinGen allele CA16621349.
Genomic context (GRCh38, chrX:25,007,248, plus strand): 5'-CCCGCTGGGCGGCAGGCTGGCCGAGCCCGGAGGCGGAGGTAGGCTCGGGAAGGCGGCGGC[G>GGCC]GCGGCGGCGGCAGCGGCAGTCCAAGCGGAGTCGAGCGCCGGGTGGTGCGGAGGGAAGGGG-3'